The following is an entry in ClinVar:

NM_198578.4(LRRK2):c.4763C>T (p.Pro1588Leu)

Gene: LRRK2 (leucine rich repeat kinase 2; plus strand). Cytogenetic location: 12q12.
Variant type: single nucleotide variant.
Coding change: c.4763C>T on transcript NM_198578.4 (MANE Select); coding-DNA position 4763, C replaced by T.
Protein change: p.Pro1588Leu; replaces proline 1588 with leucine.
Molecular consequence: missense variant.
Genome position (GRCh38, 1-based): chr12:40,315,236, C>T. VCF-style: chr12-40315236-C-T. GRCh37 (hg19) VCF-style: chr12-40709038-C-T.
Other names: short protein forms P1588L.
Identifiers: ClinVar variation 1742911 (VCV001742911.2), dbSNP rs201453887, ClinGen allele CA235360012.

ClinVar aggregate classification (germline): Uncertain significance (1 of 4 stars; one submission).

Conditions:
Inborn genetic diseases. Identifiers: MedGen C0950123, MeSH D030342.

Allele frequency attached by ClinVar (database versions not stated): gnomAD exomes below 0.00001; TOPMed below 0.00001.
gnomAD v4.1: 1 of 1,612,494 alleles (0.000062%); highest among the groups gnomAD compares: Non-Finnish European, 0.000085%; no homozygotes.

Submission:

Ambry Genetics
Classification: Uncertain significance for Inborn genetic diseases. Last evaluated: 2021-12-04. Review status: criteria provided, single submitter. Criteria: Ambry Variant Classification Scheme 2023. Collection method: clinical testing. Allele origin: germline.
Comment: The p.P1588L variant (also known as c.4763C>T), located in coding exon 33 of the LRRK2 gene, results from a C to T substitution at nucleotide position 4763. The proline at codon 1588 is replaced by leucine, an amino acid with similar properties. This amino acid position is conserved. In addition, the in silico prediction for this alteration is inconclusive. Since supporting evidence is limited at this time, the clinical significance of this alteration remains unclear.